The following is an entry in ClinVar:

ClinVar aggregate classification (germline): Likely benign. Review status: criteria provided, multiple submitters, no conflicts (2 of 4 stars). 2 submissions from 2 submitters: Likely benign (2). Last evaluated 2026-08-01.

Allele frequency attached by ClinVar (database versions not stated): 1000 Genomes Project 0.00040; 1000 Genomes Project 30x 0.00047; TOPMed 0.00071; ESP Exome Variant Server 0.00092.
gnomAD v4.1: 1,470 of 1,614,100 alleles (0.091%); highest among the groups gnomAD compares: Non-Finnish European, 0.11%; 3 homozygotes.

Submissions (2):

CeGaT Center for Human Genetics Tuebingen
Classification: Likely benign. Last evaluated: 2026-08-01. Review status: criteria provided, single submitter. Criteria: CeGaT Center For Human Genetics Tuebingen Variant Classification Criteria Version 2. Collection method: clinical testing. Allele origin: germline. Affected: yes. Observed: 2 variant alleles.
Comment: CALR: BP4, BP7

Labcorp Genetics (formerly Invitae), Labcorp
Classification: Likely benign. Last evaluated: 2019-12-31. Review status: criteria provided, single submitter. Criteria: Invitae Variant Classification Sherloc (09022015). Collection method: clinical testing. Allele origin: germline.

NM_004343.4(CALR):c.750C>G (p.Pro250=)

Genes: CALR (calreticulin; plus strand), LOC126862861 (MED14-independent group 3 enhancer GRCh37_chr19:13050707-13051906; plus strand). Cytogenetic location: 19p13.13.
Variant type: single nucleotide variant.
Coding change: c.750C>G on transcript NM_004343.4 (MANE Select); coding-DNA position 750, C replaced by G.
Protein change: p.Pro250=; no amino-acid change (proline 250 retained).
Molecular consequence: synonymous variant.
Genome position (GRCh38, 1-based): chr19:12,940,588, C>G. VCF-style: chr19-12940588-C-G. GRCh37 (hg19) VCF-style: chr19-13051402-C-G.
Identifiers: ClinVar variation 785826 (VCV000785826.18), dbSNP rs144562269, ClinGen allele CA9235879.
Genomic context (GRCh38, chr19:12,940,588, plus strand): 5'-ATCTACCCCCCAGGACTGGGACAAGCCCGAGCATATCCCTGACCCTGATGCTAAGAAGCC[C>G]GAGGACTGGGATGAAGAGATGGACGGAGAGTGGGAACCCCCAGTGATTCAGAACCCTGAG-3'
Protein context (NP_004334.1, residues 240-260): EHIPDPDAKK[Pro250=]EDWDEEMDGE